The following is an entry in ClinVar:

NM_001378414.1(HDAC4):c.882C>A (p.Ser294Arg)

Gene: HDAC4 (histone deacetylase 4; minus strand). Cytogenetic location: 2q37.3.
Variant type: single nucleotide variant.
Coding change: c.882C>A on transcript NM_001378414.1 (MANE Select); coding-DNA position 882, C replaced by A.
Protein change: p.Ser294Arg; replaces serine 294 with arginine.
Molecular consequence: missense variant.
Genome position (GRCh38, 1-based): chr2:239,139,780, G>T on the plus strand (C>A on the coding strand, the complement: HDAC4 is on the minus strand). VCF-style: chr2-239139780-G-T. GRCh37 (hg19) VCF-style: chr2-240061476-G-T.
Other names: c.882C>A, p.Ser294Arg (NM_001378415.1, NM_001378416.1, NM_001378417.1 and 1 more transcripts); short protein forms S294R.
Identifiers: ClinVar variation 3345539 (VCV003345539.2).
Genomic context (GRCh38, chr2:239,139,780, plus strand): 5'-GTTCTCCGCGCTGACGCTCCCGGAGCTGTTGTTGGGTGAGCTGGGTCCGGAGCCTGGGGC[G>T]CTGCTGCACGCGGAGTCTGCGGAGGCAGAAATACCCTGGTGAGTGTTACTCCATGCGGAG-3'
Protein context (NP_001365343.1, residues 284-304): PLDVTDSACS[Ser294Arg]APGSGPSSPN

ClinVar aggregate classification (germline): Uncertain significance (1 of 4 stars; one submission).

Conditions:
HDAC4-related disorder. Also called: HDAC4-related condition.

Submission:

PreventionGenetics, part of Exact Sciences
Classification: Uncertain significance for HDAC4-related condition. Last evaluated: 2025-12-05. Review status: criteria provided, single submitter. Criteria: ACMG Guidelines, 2015. Collection method: clinical testing. Allele origin: germline.
Comment: The HDAC4 c.882C>A variant is predicted to result in the amino acid substitution p.Ser294Arg. To our knowledge, this variant has not been reported in the literature or in a large population database (gnomAD), indicating this variant is rare. At this time, the clinical significance of this variant is uncertain due to the absence of conclusive functional and genetic evidence.